The following is an entry in ClinVar:

NM_001298.3(CNGA3):c.868C>T (p.Arg290Cys)

Gene: CNGA3 (cyclic nucleotide gated channel subunit alpha 3; plus strand). Cytogenetic location: 2q11.2.
Variant type: single nucleotide variant.
Coding change: c.868C>T on transcript NM_001298.3 (MANE Select); coding-DNA position 868, C replaced by T.
Protein change: p.Arg290Cys; replaces arginine 290 with cysteine.
Molecular consequence: missense variant.
Genome position (GRCh38, 1-based): chr2:98,396,038, C>T. VCF-style: chr2-98396038-C-T. GRCh37 (hg19) VCF-style: chr2-99012501-C-T.
Other names: c.814C>T, p.Arg272Cys (NM_001079878.2); c.868C>T (NM_001298.2); short protein forms R290C, R272C.
Identifiers: ClinVar variation 198770 (VCV000198770.17), dbSNP rs367597798, ClinGen allele CA247587.
Genomic context (GRCh38, chr2:98,396,038, plus strand): 5'-TACCCAGAAGTGAGGTTCAACCGCCTACTGAAGTTTTCCCGGCTCTTTGAATTCTTTGAC[C>T]GCACAGAGACAAGGACCAACTACCCCAATATGTTCAGGATTGGGAACTTGGTCTTGTACA-3'
Protein context (NP_001289.1, residues 280-300): KFSRLFEFFD[Arg290Cys]TETRTNYPNM

ClinVar aggregate classification (germline): Uncertain significance. Review status: criteria provided, multiple submitters, no conflicts (2 of 4 stars). 4 submissions from 4 submitters: Uncertain significance (4). Last evaluated 2025-09-22.

Conditions:
Inborn genetic diseases. Identifiers: MedGen C0950123, MeSH D030342.

Allele frequency attached by ClinVar (database versions not stated): gnomAD 0.00002 and 0.00003; TOPMed 0.00002; ExAC 0.00003; gnomAD exomes 0.00003; ESP Exome Variant Server 0.00008.
gnomAD v4.1: 66 of 1,614,060 alleles (0.0041%); highest among the groups gnomAD compares: Middle Eastern, 0.016%; 1 homozygote.

Submissions (4):

Ambry Genetics
Classification: Uncertain significance for Inborn genetic diseases. Last evaluated: 2025-09-22. Review status: criteria provided, single submitter. Criteria: Ambry Variant Classification Scheme 2023. Collection method: clinical testing. Allele origin: germline.

Labcorp Genetics (formerly Invitae), Labcorp
Classification: Uncertain significance. Last evaluated: 2024-10-26. Review status: criteria provided, single submitter. Criteria: Invitae Variant Classification Sherloc (09022015). Collection method: clinical testing. Allele origin: germline.
Comment: This sequence change replaces arginine, which is basic and polar, with cysteine, which is neutral and slightly polar, at codon 290 of the CNGA3 protein (p.Arg290Cys). This variant is present in population databases (rs367597798, gnomAD 0.01%). This variant has not been reported in the literature in individuals affected with CNGA3-related conditions. ClinVar contains an entry for this variant (Variation ID: 198770). Invitae Evidence Modeling of protein sequence and biophysical properties (such as structural, functional, and spatial information, amino acid conservation, physicochemical variation, residue mobility, and thermodynamic stability) indicates that this missense variant is expected to disrupt CNGA3 protein function with a positive predictive value of 95%. In summary, the available evidence is currently insufficient to determine the role of this variant in disease. Therefore, it has been classified as a Variant of Uncertain Significance.

Blueprint Genetics
Classification: Uncertain significance. Last evaluated: 2023-06-16. Review status: criteria provided, single submitter. Criteria: ACMG Guidelines, 2015. Collection method: clinical testing. Allele origin: germline.

Eurofins Ntd Llc (ga)
Classification: Uncertain significance. Last evaluated: 2014-10-03. Review status: criteria provided, single submitter. Criteria: EGL Classification Definitions 2015. Collection method: clinical testing. Allele origin: germline. Observed: 1 variant allele, 1 heterozygote.